The following is an entry in ClinVar:

ClinVar aggregate classification (germline): Uncertain significance (1 of 4 stars; one submission).

Submission:

Labcorp Genetics (formerly Invitae), Labcorp
Classification: Uncertain significance. Last evaluated: 2024-07-10. Review status: criteria provided, single submitter. Criteria: Invitae Variant Classification Sherloc (09022015). Collection method: clinical testing. Allele origin: germline.
Comment: This sequence change replaces valine, which is neutral and non-polar, with alanine, which is neutral and non-polar, at codon 67 of the GHSR protein (p.Val67Ala). This variant is not present in population databases (gnomAD no frequency). This variant has not been reported in the literature in individuals affected with GHSR-related conditions. Advanced modeling of protein sequence and biophysical properties (such as structural, functional, and spatial information, amino acid conservation, physicochemical variation, residue mobility, and thermodynamic stability) performed at Invitae indicates that this missense variant is not expected to disrupt GHSR protein function with a negative predictive value of 80%. In summary, the available evidence is currently insufficient to determine the role of this variant in disease. Therefore, it has been classified as a Variant of Uncertain Significance.

NM_198407.2(GHSR):c.200T>C (p.Val67Ala)

Gene: GHSR (growth hormone secretagogue receptor; minus strand). Cytogenetic location: 3q26.31.
Variant type: single nucleotide variant.
Coding change: c.200T>C on transcript NM_198407.2 (MANE Select); coding-DNA position 200, T replaced by C.
Protein change: p.Val67Ala; replaces valine 67 with alanine.
Molecular consequence: missense variant.
Genome position (GRCh38, 1-based): chr3:172,448,214, A>G on the plus strand (T>C on the coding strand, the complement: GHSR is on the minus strand). VCF-style: chr3-172448214-A-G. GRCh37 (hg19) VCF-style: chr3-172166004-A-G.
Other names: c.200T>C, p.Val67Ala (NM_004122.2); short protein forms V67A.
Identifiers: ClinVar variation 3659180 (VCV003659180.2).
Genomic context (GRCh38, chr3:172,448,214, plus strand): 5'-AAGGCCATGCTGGACAGGTAGAGGTTGGTGGTGGTGCGCAGCTCGCGGAAGCGCGACACC[A>G]CCAGCATGGTGAGCAGGTTGCCAGCGATGCCCACCACGAAGAGTGCCACGCAGGTGGCTG-3'
Protein context (NP_940799.1, residues 57-77): GIAGNLLTML[Val67Ala]VSRFRELRTT